The following is an entry in ClinVar:

ClinVar aggregate classification (germline): Uncertain significance. Review status: criteria provided, multiple submitters, no conflicts (2 of 4 stars). 4 submissions from 4 submitters: Uncertain significance (4). Last evaluated 2024-06-24.

Conditions:
Hereditary spastic paraplegia. Also called: Familial spastic paraparesis. Identifiers: Orphanet 685, MedGen C0037773, MONDO:0019064. Disease mechanism: loss of function.
Hereditary spastic paraplegia 48. Also called: SPASTIC PARAPLEGIA 48, AUTOSOMAL RECESSIVE; Spastic paraplegia 48. Identifiers: Orphanet 306511, MedGen C3150901, MONDO:0013342, OMIM 613647.

Allele frequency attached by ClinVar (database versions not stated): ESP Exome Variant Server 0.00008; gnomAD exomes 0.00012; gnomAD 0.00015 and 0.00017; TOPMed 0.00021; ExAC 0.00024; 1000 Genomes Project 0.00040; 1000 Genomes Project 30x 0.00062.
gnomAD v4.1: 157 of 1,591,012 alleles (0.0099%); highest among the groups gnomAD compares: Middle Eastern, 0.083%; no homozygotes.

Submissions (4):

Institute of Medical Genetics and Applied Genomics, University Hospital Tübingen
Classification: Uncertain significance for Hereditary spastic paraplegia 48. Last evaluated: 2024-06-24. Review status: criteria provided, single submitter. Criteria: ACMG Guidelines, 2015. Collection method: clinical testing. Allele origin: germline. Inheritance: Autosomal recessive inheritance. Affected: yes.

GeneDx
Classification: Uncertain significance. Last evaluated: 2023-01-30. Review status: criteria provided, single submitter. Criteria: GeneDx Variant Classification Process June 2021. Collection method: clinical testing. Allele origin: germline. Affected: yes.
Comment: In silico analysis supports that this missense variant has a deleterious effect on protein structure/function; Has not been previously reported as pathogenic or benign in association with neurodevelopmental disorders to our knowledge; This variant is associated with the following publications: (PMID: 34213489, 28719003, 26740555)

Labcorp Genetics (formerly Invitae), Labcorp
Classification: Uncertain significance for Hereditary spastic paraplegia 48. Last evaluated: 2022-08-18. Review status: criteria provided, single submitter. Criteria: Invitae Variant Classification Sherloc (09022015). Collection method: clinical testing. Allele origin: germline.
Comment: This sequence change replaces arginine, which is basic and polar, with cysteine, which is neutral and slightly polar, at codon 523 of the AP5Z1 protein (p.Arg523Cys). This variant is present in population databases (rs201067711, gnomAD 0.06%). This variant has not been reported in the literature in individuals affected with AP5Z1-related conditions. ClinVar contains an entry for this variant (Variation ID: 1044302). Algorithms developed to predict the effect of missense changes on protein structure and function are either unavailable or do not agree on the potential impact of this missense change (SIFT: "Deleterious"; PolyPhen-2: "Probably Damaging"; Align-GVGD: "Class C0"). In summary, the available evidence is currently insufficient to determine the role of this variant in disease. Therefore, it has been classified as a Variant of Uncertain Significance.

Genome Diagnostics Laboratory, The Hospital for Sick Children
Classification: Uncertain significance for Hereditary spastic paraplegia. Last evaluated: 2019-01-01. Review status: criteria provided, single submitter. Criteria: ACMG Guidelines, 2015. Collection method: clinical testing. Allele origin: germline. Affected: yes.

NM_014855.3(AP5Z1):c.1567C>T (p.Arg523Cys)

Genes: AP5Z1 (adaptor related protein complex 5 subunit zeta 1; plus strand), MIR4656 (microRNA 4656; minus strand). Cytogenetic location: 7p22.1.
Variant type: single nucleotide variant.
Coding change: c.1567C>T on transcript NM_014855.3 (MANE Select); coding-DNA position 1567, C replaced by T.
Protein change: p.Arg523Cys; replaces arginine 523 with cysteine.
Molecular consequence: missense variant. On other transcripts: non-coding transcript variant (1).
Genome position (GRCh38, 1-based): chr7:4,788,266, C>T. VCF-style: chr7-4788266-C-T. GRCh37 (hg19) VCF-style: chr7-4827897-C-T.
Other names: c.1099C>T, p.Arg367Cys (NM_001364858.1); short protein forms R367C, R523C.
Identifiers: ClinVar variation 1044302 (VCV001044302.7), dbSNP rs201067711, ClinGen allele CA4137872.